The following is an entry in ClinVar:

NM_017514.5(PLXNA3):c.3678G>A (p.Ala1226=)

Gene: PLXNA3 (plexin A3; plus strand). Cytogenetic location: Xq28.
Variant type: single nucleotide variant.
Coding change: c.3678G>A on transcript NM_017514.5 (MANE Select); coding-DNA position 3678, G replaced by A.
Protein change: p.Ala1226=; no amino-acid change (alanine 1226 retained).
Molecular consequence: synonymous variant.
Genome position (GRCh38, 1-based): chrX:154,467,859, G>A. VCF-style: chrX-154467859-G-A. GRCh37 (hg19) VCF-style: chrX-153696202-G-A.
Identifiers: ClinVar variation 3355078 (VCV003355078.1).
Genomic context (GRCh38, chrX:154,467,859, plus strand): 5'-CACCCTGCACATCTCGGCAGAGCGGGCGCTGACCCTACCGGCCATGATGGGGCTGGCGGC[G>A]GGGGGTGGGCTCCTGCTGCTGGCCATCACAGCCGTGCTGGTGGCCTACAAGCGCAAGACT-3'
Protein context (NP_059984.3, residues 1216-1236): LTLPAMMGLA[Ala1226=]GGGLLLLAIT

ClinVar aggregate classification (germline): Likely benign (0 of 4 stars; one submission).

Conditions:
PLXNA3-related disorder. Also called: PLXNA3-related condition.

gnomAD v4.1: 26 of 1,207,092 alleles (0.0022%); highest among the groups gnomAD compares: East Asian, 0.003%; no homozygotes.

Submission:

PreventionGenetics, part of Exact Sciences
Classification: Likely benign for PLXNA3-related condition. Last evaluated: 2021-11-18. Review status: no assertion criteria provided. Collection method: clinical testing. Allele origin: germline.
Comment: This variant is classified as likely benign based on ACMG/AMP sequence variant interpretation guidelines (Richards et al. 2015 PMID: 25741868, with internal and published modifications).